The following is an entry in ClinVar:

NM_006648.4(WNK2):c.4856C>T (p.Pro1619Leu)

Gene: WNK2 (WNK lysine deficient protein kinase 2; plus strand). Cytogenetic location: 9q22.31.
Variant type: single nucleotide variant.
Coding change: c.4856C>T on transcript NM_006648.4 (MANE Select); coding-DNA position 4856, C replaced by T.
Protein change: p.Pro1619Leu; replaces proline 1619 with leucine.
Molecular consequence: missense variant.
Genome position (GRCh38, 1-based): chr9:93,289,610, C>T. VCF-style: chr9-93289610-C-T. GRCh37 (hg19) VCF-style: chr9-96051892-C-T.
Other names: c.4967C>T, p.Pro1656Leu (NM_001282394.3); short protein forms P1619L, P1656L.
Identifiers: ClinVar variation 3470630 (VCV003470630.1).

ClinVar aggregate classification (germline): Uncertain significance (1 of 4 stars; one submission).

gnomAD v4.1: 24 of 1,477,602 alleles (0.0016%); highest among the groups gnomAD compares: Admixed American, 0.0024%; no homozygotes.

Submission:

Ambry Genetics
Classification: Uncertain significance. Last evaluated: 2024-12-07. Review status: criteria provided, single submitter. Criteria: Ambry Variant Classification Scheme 2023. Collection method: clinical testing. Allele origin: germline.
Comment: The p.P1619L variant (also known as c.4856C>T), located in coding exon 19 of the WNK2 gene, results from a C to T substitution at nucleotide position 4856. The proline at codon 1619 is replaced by leucine, an amino acid with similar properties. This amino acid position is conserved. In addition, this alteration is predicted to be tolerated by in silico analysis. Based on the available evidence, the clinical significance of this variant remains unclear.